The following is an entry in ClinVar:

NM_021927.3(GUF1):c.361C>T (p.Gln121Ter)

Gene: GUF1 (GTP binding elongation factor GUF1; plus strand). Cytogenetic location: 4p12.
Variant type: single nucleotide variant.
Coding change: c.361C>T on transcript NM_021927.3 (MANE Select); coding-DNA position 361, C replaced by T.
Protein change: p.Gln121Ter; replaces glutamine 121 with a stop codon.
Molecular consequence: nonsense. On other transcripts: 5 prime UTR variant (2).
Genome position (GRCh38, 1-based): chr4:44,680,777, C>T. VCF-style: chr4-44680777-C-T. GRCh37 (hg19) VCF-style: chr4-44682794-C-T.
Other names: c.-608C>T (NM_001345867.2); c.361C>T, p.Gln121Ter (NM_001345868.2); c.-612C>T (NM_001345869.2); short protein forms Q121*.
Identifiers: ClinVar variation 1477750 (VCV001477750.6), dbSNP rs1714723934, ClinGen allele CA356761094.

ClinVar aggregate classification (germline): Uncertain significance (1 of 4 stars; one submission).

Submission:

Labcorp Genetics (formerly Invitae), Labcorp
Classification: Uncertain significance. Last evaluated: 2021-12-13. Review status: criteria provided, single submitter. Criteria: Invitae Variant Classification Sherloc (09022015). Collection method: clinical testing. Allele origin: germline.
Comment: In summary, the available evidence is currently insufficient to determine the role of this variant in disease. Therefore, it has been classified as a Variant of Uncertain Significance. This sequence change creates a premature translational stop signal (p.Gln121*) in the GUF1 gene. It is expected to result in an absent or disrupted protein product. However, the current clinical and genetic evidence is not sufficient to establish whether loss-of-function variants in GUF1 cause disease. This variant is not present in population databases (gnomAD no frequency). This variant has not been reported in the literature in individuals affected with GUF1-related conditions.